The following is an entry in ClinVar:

NM_178012.5(TUBB2B):c.178G>T (p.Val60Phe)

Gene: TUBB2B (tubulin beta 2B class IIb; minus strand). Cytogenetic location: 6p25.2.
Variant type: single nucleotide variant.
Coding change: c.178G>T on transcript NM_178012.5 (MANE Select); coding-DNA position 178, G replaced by T.
Protein change: p.Val60Phe; replaces valine 60 with phenylalanine.
Molecular consequence: missense variant.
Genome position (GRCh38, 1-based): chr6:3,226,258, C>A on the plus strand (G>T on the coding strand, the complement: TUBB2B is on the minus strand). VCF-style: chr6-3226258-C-A. GRCh37 (hg19) VCF-style: chr6-3226492-C-A.
Other names: short protein forms V60F.
Identifiers: ClinVar variation 3026502 (VCV003026502.22), dbSNP rs2113819578, ClinGen allele CA362589756.
Genomic context (GRCh38, chr6:3,226,258, plus strand): 5'-GTCCAGACCTAACCGAATCCATCGTGCCTGGCTCCAGATCCACGAGGATGGCCCGAGGAA[C>A]ATATTTGTTACCTGCAAGGAACAACAGTGACTTAGACCCTCAGGCAAGGACCTCTGCAGA-3'
Protein context (NP_821080.1, residues 50-70): YYNEATGNKY[Val60Phe]PRAILVDLEP

ClinVar aggregate classification (germline): Likely pathogenic (1 of 4 stars; one submission).

Submission:

CeGaT Center for Human Genetics Tuebingen
Classification: Likely pathogenic. Last evaluated: 2024-01-01. Review status: criteria provided, single submitter. Criteria: CeGaT Center For Human Genetics Tuebingen Variant Classification Criteria Version 2. Collection method: clinical testing. Allele origin: germline. Affected: yes. Observed: 1 variant allele.
Comment: TUBB2B: PM2, PS2:Moderate, PP2, PP3